The following is an entry in ClinVar:

NM_001851.6(COL9A1):c.2716T>G (p.Cys906Gly)

Gene: COL9A1 (collagen type IX alpha 1 chain; minus strand). Cytogenetic location: 6q13.
Variant type: single nucleotide variant.
Coding change: c.2716T>G on transcript NM_001851.6 (MANE Select); coding-DNA position 2716, T replaced by G.
Protein change: p.Cys906Gly; replaces cysteine 906 with glycine.
Molecular consequence: missense variant. On other transcripts: non-coding transcript variant (1).
Genome position (GRCh38, 1-based): chr6:70,216,947, A>C on the plus strand (T>G on the coding strand, the complement: COL9A1 is on the minus strand). VCF-style: chr6-70216947-A-C. GRCh37 (hg19) VCF-style: chr6-70926650-A-C.
Other names: c.2017T>G, p.Cys673Gly (NM_001377289.1); c.1840T>G, p.Cys614Gly (NM_001377290.1); c.1987T>G, p.Cys663Gly (NM_078485.4); short protein forms C614G, C663G, C673G, C906G.
Identifiers: ClinVar variation 4531039 (VCV004531039.1).

ClinVar aggregate classification (germline): Uncertain significance (1 of 4 stars; one submission).

Submission:

GeneDx
Classification: Uncertain significance. Last evaluated: 2025-05-20. Review status: criteria provided, single submitter. Criteria: GeneDx Variant Classification Process June 2021. Collection method: clinical testing. Allele origin: germline. Affected: yes.
Comment: Not observed at significant frequency in large population cohorts (gnomAD); In silico analysis supports that this missense variant has a deleterious effect on protein structure/function; Has not been previously published as pathogenic or benign to our knowledge